The following is an entry in ClinVar:

ClinVar aggregate classification (germline): Uncertain significance (1 of 4 stars; one submission).

Conditions:
Menkes kinky-hair syndrome (MNK). Also called: Copper transport disease; Menkes Disease; Classic Menkes Disease. Identifiers: Orphanet 565, MedGen C0022716, MONDO:0010651, OMIM 309400.
Cutis laxa, X-linked (OHS). Also called: EDS IX; Occipital horn syndrome. Identifiers: Orphanet 198, MedGen C0268353, MONDO:0010572, OMIM 304150.
X-linked distal spinal muscular atrophy type 3. Also called: ATP7A-Related Distal Motor Neuropathy; SPINAL MUSCULAR ATROPHY, DISTAL, X-LINKED RECESSIVE; NEURONOPATHY, DISTAL HEREDITARY MOTOR, X-LINKED; NEUROPATHY, DISTAL HEREDITARY MOTOR, X-LINKED. Identifiers: Orphanet 139557, MedGen C1845359, MONDO:0010338, OMIM 300489.

Submission:

Labcorp Genetics (formerly Invitae), Labcorp
Classification: Uncertain significance for X-linked distal spinal muscular atrophy type 3; Cutis laxa, X-linked; Menkes kinky-hair syndrome. Last evaluated: 2023-09-21. Review status: criteria provided, single submitter. Criteria: Invitae Variant Classification Sherloc (09022015). Collection method: clinical testing. Allele origin: germline.
Comment: This variant has not been reported in the literature in individuals affected with ATP7A-related conditions. This variant is not present in population databases (gnomAD no frequency). This sequence change replaces cysteine, which is neutral and slightly polar, with glycine, which is neutral and non-polar, at codon 1096 of the ATP7A protein (p.Cys1096Gly). Advanced modeling of protein sequence and biophysical properties (such as structural, functional, and spatial information, amino acid conservation, physicochemical variation, residue mobility, and thermodynamic stability) has been performed at Invitae for this missense variant, however the output from this modeling did not meet the statistical confidence thresholds required to predict the impact of this variant on ATP7A protein function. In summary, the available evidence is currently insufficient to determine the role of this variant in disease. Therefore, it has been classified as a Variant of Uncertain Significance.

NM_000052.7(ATP7A):c.3286T>G (p.Cys1096Gly)

Gene: ATP7A (ATPase copper transporting alpha; plus strand). Cytogenetic location: Xq21.1.
Variant type: single nucleotide variant.
Coding change: c.3286T>G on transcript NM_000052.7 (MANE Select); coding-DNA position 3286, T replaced by G.
Protein change: p.Cys1096Gly; replaces cysteine 1096 with glycine.
Molecular consequence: missense variant. On other transcripts: non-coding transcript variant (1).
Genome position (GRCh38, 1-based): chrX:78,031,574, T>G. VCF-style: chrX-78031574-T-G. GRCh37 (hg19) VCF-style: chrX-77287072-T-G.
Other names: c.3052T>G, p.Cys1018Gly (NM_001282224.2); short protein forms C1096G, C1018G.
Identifiers: ClinVar variation 2931084 (VCV002931084.3), dbSNP rs2522397486, ClinGen allele CA413603808.
Genomic context (GRCh38, chrX:78,031,574, plus strand): 5'-ATTGTGGGAACTGCTGAAAGTAACAGTGAACACCCTCTAGGAACAGCCATAACCAAATAT[T>G]GCAAACAGGTACATTTTTTTCCTCTTGTTTATTAGTGTAGTCATCTCCTGTAGGAATTCC-3'
Protein context (NP_000043.4, residues 1086-1106): HPLGTAITKY[Cys1096Gly]KQELDTETLG